The following is an entry in ClinVar:

NM_020937.4(FANCM):c.2233C>A (p.Pro745Thr)

Gene: FANCM (FA complementation group M; plus strand). Cytogenetic location: 14q21.2.
Variant type: single nucleotide variant.
Coding change: c.2233C>A on transcript NM_020937.4 (MANE Select); coding-DNA position 2233, C replaced by A.
Protein change: p.Pro745Thr; replaces proline 745 with threonine.
Molecular consequence: missense variant.
Genome position (GRCh38, 1-based): chr14:45,173,127, C>A. VCF-style: chr14-45173127-C-A. GRCh37 (hg19) VCF-style: chr14-45642330-C-A.
Other names: c.2155C>A, p.Pro719Thr (NM_001308133.2); short protein forms P719T, P745T.
Identifiers: ClinVar variation 1315502 (VCV001315502.2), dbSNP rs2139234827, ClinGen allele CA389596742.
Genomic context (GRCh38, chr14:45,173,127, plus strand): 5'-ACCACTGGAATTCATCAACTCTCTCTCTCTGAATGGAGACTGTGGCAAGATCATCCTTTG[C>A]CTACACATCAAGTTGATCACTCAGATCGATGCCGCCATTTTATAGGCCTTATGCAAATGA-3'
Protein context (NP_065988.1, residues 735-755): EWRLWQDHPL[Pro745Thr]THQVDHSDRC

ClinVar aggregate classification (germline): Uncertain significance (1 of 4 stars; one submission).

Submission:

GeneDx
Classification: Uncertain significance. Last evaluated: 2020-02-13. Review status: criteria provided, single submitter. Criteria: GeneDx Variant Classification Process June 2021. Collection method: clinical testing. Allele origin: germline. Affected: yes.
Comment: Not observed in large population cohorts (Lek 2016); In silico analysis supports that this missense variant has a deleterious effect on protein structure/function; Has not been previously published as pathogenic or benign to our knowledge